The following is an entry in ClinVar:

ClinVar aggregate classification (germline): Pathogenic. Review status: criteria provided, multiple submitters, no conflicts (2 of 4 stars). 2 submissions from 2 submitters: Pathogenic (2). Last evaluated 2023-03-02.

Conditions:
RASopathy. Also called: rasopathies; Noonan spectrum disorder. Identifiers: Orphanet 536391, MedGen C5555857, MONDO:0021060.
Metachondromatosis (METCDS). Identifiers: Orphanet 2499, MedGen C0410530, MONDO:0007979, OMIM 156250.

Submissions (2):

Labcorp Genetics (formerly Invitae), Labcorp
Classification: Pathogenic for RASopathy. Last evaluated: 2023-03-02. Review status: criteria provided, single submitter. Criteria: Invitae Variant Classification Sherloc (09022015). Collection method: clinical testing. Allele origin: germline.
Comment: For these reasons, this variant has been classified as Pathogenic. ClinVar contains an entry for this variant (Variation ID: 44611). This variant has not been reported in the literature in individuals affected with PTPN11-related conditions. This variant is not present in population databases (gnomAD no frequency). This sequence change creates a premature translational stop signal (p.Ile221*) in the PTPN11 gene. It is expected to result in an absent or disrupted protein product. Loss-of-function variants in PTPN11 are known to be pathogenic (PMID: 20577567, 21533187).

Laboratory for Molecular Medicine, Mass General Brigham Personalized Medicine
Classification: Pathogenic for Metachondromatosis. Last evaluated: 2011-09-07. Review status: criteria provided, single submitter. Criteria: LMM Criteria. Collection method: clinical testing. Allele origin: germline. Inheritance: Autosomal dominant inheritance. Observed: 1 variant allele.
Comment: The Ile221X variant has not been reported in the literature nor previously ident ified in our laboratory in over 1,800 individuals tested. This variant leads to a premature stop codon at position 221, which is predicted to result in a trunca ted or absent protein. Nonsense variants and other loss-of-function variants hav e been identified as pathogenic in individuals with metachondromatosis (Sobreira 2010, Bowen 2011). Therefore, this variant is highly likely to be pathogenic. The presence of a heterozygous pathogenic loss-of-function variant in PTPN11 is consistent with a diagnosis of metachondromatosis but this information should be reconciled with the complete clinical history of this individual.

Literature cited by the submitters: PubMed 20577567 (cited by Labcorp Genetics (formerly Invitae), Labcorp and Laboratory for Molecular Medicine, Mass General Brigham Personalized Medicine); PubMed 21533187 (cited by Labcorp Genetics (formerly Invitae), Labcorp and Laboratory for Molecular Medicine, Mass General Brigham Personalized Medicine).

NM_002834.5(PTPN11):c.661del (p.Arg220_Ile221insTer)

Gene: PTPN11 (protein tyrosine phosphatase non-receptor type 11; plus strand). Cytogenetic location: 12q24.13.
Variant type: Deletion.
Coding change: c.661del on transcript NM_002834.5 (MANE Select); coding-DNA position 661, one base deleted (A; older notation c.661delA).
Protein change: p.Arg220_Ile221insTer.
Molecular consequence: nonsense.
Genome position (GRCh38, 1-based): chr12:112,455,968, A deleted. VCF-style (leftmost placement, unchanged base first): chr12-112455967-TA-T. GRCh37 (hg19) VCF-style: chr12-112893771-TA-T.
Other names: c.661del, p.Arg220_Ile221insTer (NM_001330437.2, NM_080601.3); c.658del, p.Arg219_Ile220insTer (NM_001374625.1).
Identifiers: ClinVar variation 44611 (VCV000044611.8), dbSNP rs397516807, ClinGen allele CA134679.